The following is an entry in ClinVar:

ClinVar aggregate classification (germline): Conflicting classifications of pathogenicity. Review status: criteria provided, conflicting classifications (1 of 4 stars). 5 submissions from 5 submitters: Uncertain significance (4); Likely benign (1). Last evaluated 2025-09-08.

Conditions:
Early-infantile DEE. Also called: Ohtahara syndrome; Early infantile epileptic encephalopathy; Early infantile epileptic encephalopathy with suppression bursts. Identifiers: Orphanet 1934, MedGen C0393706, MONDO:0800491.
Developmental and epileptic encephalopathy, 7 (DEE7). Also called: KCNQ2-Related Neonatal Epileptic Encephalopathy; Early infantile epileptic encephalopathy 7; KCNQ2-Related Neonatal-Onset Developmental and Epileptic Encephalopathy (NEO-DEE). Identifiers: Orphanet 439218, MedGen C3150986, MONDO:0013387, OMIM 613720.
Seizures, benign familial neonatal, 1. Also called: Benign Neonatal Epilepsy 1; KCNQ2-Related Benign Familial Neonatal Epilepsy; KCNQ2-Related Self-Limited Familial Neonatal Epilepsy (SLFNE); Seizures, benign neonatal, 1. Identifiers: Orphanet 1949, MedGen C3149074, MONDO:0007365, OMIM 121200.

Allele frequency attached by ClinVar (database versions not stated): ExAC 0.00001; gnomAD exomes 0.00007 and 0.00004; ESP Exome Variant Server 0.00008; gnomAD 0.00002; TOPMed 0.00002.
gnomAD v4.1: 95 of 1,612,570 alleles (0.0059%); highest among the groups gnomAD compares: Non-Finnish European, 0.008%; no homozygotes.

Submissions (11):

Labcorp Genetics (formerly Invitae), Labcorp
Classification: Uncertain significance for Early-infantile DEE. Last evaluated: 2025-09-08. Review status: criteria provided, single submitter. Criteria: Invitae Variant Classification Sherloc (09022015). Collection method: clinical testing. Allele origin: germline.
Comment: This sequence change replaces alanine, which is neutral and non-polar, with valine, which is neutral and non-polar, at codon 502 of the KCNQ2 protein (p.Ala502Val). This variant is present in population databases (rs375264483, gnomAD 0.007%). This missense change has been observed in individual(s) with clinical features of benign familial neonatal-infantile seizures (internal data). ClinVar contains an entry for this variant (Variation ID: 205906). Invitae Evidence Modeling of protein sequence and biophysical properties (such as structural, functional, and spatial information, amino acid conservation, physicochemical variation, residue mobility, and thermodynamic stability) has been performed for this missense variant. However, the output from this modeling did not meet the statistical confidence thresholds required to predict the impact of this variant on KCNQ2 protein function. Experimental studies have shown that this missense change does not substantially affect KCNQ2 function (PMID: 35104249). In summary, the available evidence is currently insufficient to determine the role of this variant in disease. Therefore, it has been classified as a Variant of Uncertain Significance.

GeneDx
Classification: Likely benign. Last evaluated: 2020-08-31. Review status: criteria provided, single submitter. Criteria: GeneDx Variant Classification Process June 2021. Collection method: clinical testing. Allele origin: germline. Affected: yes.

Revvity Omics, Revvity
Classification: Uncertain significance. Last evaluated: 2019-10-09. Review status: criteria provided, single submitter. Criteria: ACMG Guidelines, 2015. Collection method: clinical testing. Allele origin: germline.

CeGaT Center for Human Genetics Tuebingen
Classification: Uncertain significance. Last evaluated: 2019-09-01. Review status: criteria provided, single submitter. Criteria: CeGaT Center For Human Genetics Tuebingen Variant Classification Criteria Version 2. Collection method: clinical testing. Allele origin: germline. Affected: yes. Observed: 2 variant alleles.

Fulgent Genetics
Classification: Uncertain significance for Seizures, benign familial neonatal, 1; Developmental and epileptic encephalopathy, 7. Last evaluated: 2018-10-31. Review status: criteria provided, single submitter. Criteria: ACMG Guidelines, 2015. Collection method: clinical testing. Allele origin: unknown.

Channelopathy-Associated Epilepsy Research Center
No classification provided (evidence only). Condition: Complex neurodevelopmental disorder. Review status: no classification provided. Collection method: literature only. Allele origin: not applicable. Functional consequence: Mild decrease in peak current, Normal rate of activation, Mild hyperpolarizing shift of voltage dependence of activation. Not counted in ClinVar's aggregate classification.
ClinVar note: "not provided" was previously submitted as the classification for the variant. However, the classification appeared to be based only on an observation of functional data so it was converted to no classification on 2025-07-30.

Channelopathy-Associated Epilepsy Research Center
No classification provided (evidence only). Review status: no classification provided. Collection method: in vitro. Allele origin: not applicable. Functional consequence: Normal peak current. Not counted in ClinVar's aggregate classification.

Channelopathy-Associated Epilepsy Research Center
No classification provided (evidence only). Review status: no classification provided. Collection method: in vitro. Allele origin: not applicable. Functional consequence: Normal peak current. Not counted in ClinVar's aggregate classification.

Channelopathy-Associated Epilepsy Research Center
No classification provided (evidence only). Review status: no classification provided. Collection method: in vitro. Allele origin: not applicable. Functional consequence: Normal voltage dependence of activation. Not counted in ClinVar's aggregate classification.

Channelopathy-Associated Epilepsy Research Center
No classification provided (evidence only). Review status: no classification provided. Collection method: in vitro. Allele origin: not applicable. Functional consequence: Normal slope of activation. Not counted in ClinVar's aggregate classification.

Channelopathy-Associated Epilepsy Research Center
No classification provided (evidence only). Review status: no classification provided. Collection method: in vitro. Allele origin: not applicable. Functional consequence: Normal rate of activation. Not counted in ClinVar's aggregate classification.

Literature cited by the submitters: PubMed 35104249 (cited by Labcorp Genetics (formerly Invitae), Labcorp and Channelopathy-Associated Epilepsy Research Center).

NM_172107.4(KCNQ2):c.1505C>T (p.Ala502Val)

Gene: KCNQ2 (potassium voltage-gated channel subfamily Q member 2; minus strand). Cytogenetic location: 20q13.33.
Variant type: single nucleotide variant.
Coding change: c.1505C>T on transcript NM_172107.4 (MANE Select); coding-DNA position 1505, C replaced by T.
Protein change: p.Ala502Val; replaces alanine 502 with valine.
Molecular consequence: missense variant.
Genome position (GRCh38, 1-based): chr20:63,414,923, G>A on the plus strand (C>T on the coding strand, the complement: KCNQ2 is on the minus strand). VCF-style: chr20-63414923-G-A. GRCh37 (hg19) VCF-style: chr20-62046276-G-A.
Other names: p.A502V:GCG>GTG; c.1421C>T, p.Ala474Val (NM_004518.6); c.1451C>T, p.Ala484Val (NM_172106.3); c.1415C>T, p.Ala472Val (NM_172108.5); short protein forms A502V, A474V, A472V, A484V.
Identifiers: ClinVar variation 205906 (VCV000205906.61), dbSNP rs375264483, ClinGen allele CA315447.